The following is an entry in ClinVar:

ClinVar aggregate classification (germline): Uncertain significance (1 of 4 stars; one submission).

Submission:

Labcorp Genetics (formerly Invitae), Labcorp
Classification: Uncertain significance. Last evaluated: 2025-08-01. Review status: criteria provided, single submitter. Criteria: Invitae Variant Classification Sherloc (09022015). Collection method: clinical testing. Allele origin: germline.
Comment: This sequence change falls in intron 16 of the ABCA4 gene. It does not directly change the encoded amino acid sequence of the ABCA4 protein. Information on the frequency of this variant in the gnomAD database is not available, as this variant may be reported differently in the database. This variant has been observed in individual(s) with Stargardt disease (internal data). ClinVar contains an entry for this variant (Variation ID: 2035106). Experimental studies and prediction algorithms are not available or were not evaluated, and the effect of this variant on mRNA splicing is currently unknown. In summary, the available evidence is currently insufficient to determine the role of this variant in disease. Therefore, it has been classified as a Variant of Uncertain Significance.

NM_000350.3(ABCA4):c.2588-7_2588-6delinsGG

Gene: ABCA4 (ATP binding cassette subfamily A member 4; minus strand). Cytogenetic location: 1p22.1.
Variant type: Indel.
Coding change: c.2588-7_2588-6delinsGG on transcript NM_000350.3 (MANE Select); 7 bases into the intron before coding-DNA position 2588 through 6 bases into the intron before coding-DNA position 2588, TT replaced by GG.
Molecular consequence: intron variant.
Genome position (GRCh38, 1-based): chr1:94,051,704-94,051,705, AA replaced by CC on the plus strand (TT replaced by GG on the coding strand, the reverse complement: ABCA4 is on the minus strand). VCF-style: chr1-94051704-AA-CC. GRCh37 (hg19) VCF-style: chr1-94517260-AA-CC.
Identifiers: ClinVar variation 2035106 (VCV002035106.4), dbSNP rs2523805488, ClinGen allele CA2580063353.